The following is an entry in ClinVar:

ClinVar aggregate classification (germline): Pathogenic (1 of 4 stars; one submission).

Conditions:
Hereditary spastic paraplegia 49 (HSAN9). Also called: TECPR2-Related Hereditary Sensory and Autonomic Neuropathy with Intellectual Disability; NEUROPATHY, HEREDITARY SENSORY AND AUTONOMIC, TYPE IX, WITH DEVELOPMENTAL DELAY; Spastic paraplegia 49, autosomal recessive. Identifiers: Orphanet 320385, MedGen C5190860, MONDO:0014016, OMIM 615031.

Submission:

Labcorp Genetics (formerly Invitae), Labcorp
Classification: Pathogenic for Hereditary spastic paraplegia 49. Last evaluated: 2021-12-21. Review status: criteria provided, single submitter. Criteria: Invitae Variant Classification Sherloc (09022015). Collection method: clinical testing. Allele origin: germline.
Comment: This sequence change creates a premature translational stop signal (p.Gln742*) in the TECPR2 gene. It is expected to result in an absent or disrupted protein product. Loss-of-function variants in TECPR2 are known to be pathogenic (PMID: 23176824, 25590979). For these reasons, this variant has been classified as Pathogenic. This variant has not been reported in the literature in individuals affected with TECPR2-related conditions. This variant is not present in population databases (gnomAD no frequency).

Literature cited by the submitters: PubMed 23176824; PubMed 25590979.

NM_014844.5(TECPR2):c.2224C>T (p.Gln742Ter)

Gene: TECPR2 (tectonin beta-propeller repeat containing 2; plus strand). Cytogenetic location: 14q32.31.
Variant type: single nucleotide variant.
Coding change: c.2224C>T on transcript NM_014844.5 (MANE Select); coding-DNA position 2224, C replaced by T.
Protein change: p.Gln742Ter; replaces glutamine 742 with a stop codon.
Molecular consequence: nonsense.
Genome position (GRCh38, 1-based): chr14:102,435,041, C>T. VCF-style: chr14-102435041-C-T. GRCh37 (hg19) VCF-style: chr14-102901378-C-T.
Other names: c.2224C>T, p.Gln742Ter (NM_001172631.3); short protein forms Q742*.
Identifiers: ClinVar variation 2045726 (VCV002045726.4), dbSNP rs1377993607, ClinGen allele CA391062700.
Genomic context (GRCh38, chr14:102,435,041, plus strand): 5'-GGAGGACAGCTGACTCCGGTCTCTGCCTTGGCAGCCAGCACTCACAAGCCCTGGCTTGAG[C>T]AGCCTCCACGGGATCAGACATTGACGTCCAGCGATGAGGAGGACATCTATGCCCACGGGC-3'